The following is an entry in ClinVar:

ClinVar aggregate classification (germline): Uncertain significance (1 of 4 stars; one submission).

Conditions:
Metachromatic leukodystrophy (MLD). Also called: METACHROMATIC LEUKOENCEPHALOPATHY; SULFATIDE LIPIDOSIS; ARSA DEFICIENCY; CEREBROSIDE SULFATASE DEFICIENCY; Cerebral sclerosis diffuse metachromatic form; Arylsulfatase A Deficiency. Identifiers: Orphanet 512, MedGen C0023522, MONDO:0018868, OMIM 250100.

Submission:

Labcorp Genetics (formerly Invitae), Labcorp
Classification: Uncertain significance for Metachromatic leukodystrophy. Last evaluated: 2022-08-22. Review status: criteria provided, single submitter. Criteria: Invitae Variant Classification Sherloc (09022015). Collection method: clinical testing. Allele origin: germline.
Comment: In summary, the available evidence is currently insufficient to determine the role of this variant in disease. Therefore, it has been classified as a Variant of Uncertain Significance. Advanced modeling of protein sequence and biophysical properties (such as structural, functional, and spatial information, amino acid conservation, physicochemical variation, residue mobility, and thermodynamic stability) performed at Invitae indicates that this missense variant is expected to disrupt ARSA protein function. This variant has not been reported in the literature in individuals affected with ARSA-related conditions. This variant is not present in population databases (gnomAD no frequency). This sequence change replaces glycine, which is neutral and non-polar, with glutamic acid, which is acidic and polar, at codon 261 of the ARSA protein (p.Gly261Glu).

NM_000487.6(ARSA):c.782G>A (p.Gly261Glu)

Gene: ARSA (arylsulfatase A; minus strand). Cytogenetic location: 22q13.33.
Variant type: single nucleotide variant.
Coding change: c.782G>A on transcript NM_000487.6 (MANE Select); coding-DNA position 782, G replaced by A.
Protein change: p.Gly261Glu; replaces glycine 261 with glutamic acid.
Molecular consequence: missense variant.
Genome position (GRCh38, 1-based): chr22:50,626,663, C>T on the plus strand (G>A on the coding strand, the complement: ARSA is on the minus strand). VCF-style: chr22-50626663-C-T. GRCh37 (hg19) VCF-style: chr22-51065091-C-T.
Other names: c.782G>A, p.Gly261Glu (NM_001085425.3, NM_001085426.3, NM_001085427.3); c.524G>A, p.Gly175Glu (NM_001085428.3, NM_001362782.2); short protein forms G175E, G261E.
Identifiers: ClinVar variation 2042435 (VCV002042435.4), dbSNP rs2082674423, ClinGen allele CA412176184.